The following is an entry in ClinVar:

NM_001371904.1(APOA5):c.637G>A (p.Val213Met)

Gene: APOA5 (apolipoprotein A5; minus strand). Cytogenetic location: 11q23.3.
Variant type: single nucleotide variant.
Coding change: c.637G>A on transcript NM_001371904.1 (MANE Select); coding-DNA position 637, G replaced by A.
Protein change: p.Val213Met; replaces valine 213 with methionine.
Molecular consequence: missense variant.
Genome position (GRCh38, 1-based): chr11:116,790,592, C>T on the plus strand (G>A on the coding strand, the complement: APOA5 is on the minus strand). VCF-style: chr11-116790592-C-T. GRCh37 (hg19) VCF-style: chr11-116661308-C-T.
Other names: c.637G>A, p.Val213Met (NM_001166598.2, NM_052968.5); short protein forms V213M.
Identifiers: ClinVar variation 4693768 (VCV004693768.1).

ClinVar aggregate classification (germline): Uncertain significance (1 of 4 stars; one submission).

Submission:

Labcorp Genetics (formerly Invitae), Labcorp
Classification: Uncertain significance. Last evaluated: 2025-06-22. Review status: criteria provided, single submitter. Criteria: Invitae Variant Classification Sherloc (09022015). Collection method: clinical testing. Allele origin: germline.
Comment: This sequence change replaces valine, which is neutral and non-polar, with methionine, which is neutral and non-polar, at codon 213 of the APOA5 protein (p.Val213Met). This variant is present in population databases (rs376891081, gnomAD 0.007%). This missense change has been observed in individual(s) with hypertriglyceridaemia (PMID: 36325899). An algorithm developed to predict the effect of missense changes on protein structure and function (PolyPhen-2) suggests that this variant is likely to be disruptive. In summary, the available evidence is currently insufficient to determine the role of this variant in disease. Therefore, it has been classified as a Variant of Uncertain Significance.

Literature cited by the submitters: PubMed 36325899.